The following is an entry in ClinVar:

ClinVar aggregate classification (germline): Uncertain significance. Review status: criteria provided, multiple submitters, no conflicts (2 of 4 stars). 3 submissions from 3 submitters: Uncertain significance (3). Last evaluated 2025-11-20.

Conditions:
Developmental and epileptic encephalopathy, 46 (DEE46). Also called: Epileptic encephalopathy, early infantile, 46; GRIN2D-Related Developmental and Epileptic Encephalopathy. Identifiers: MedGen C4310687, MONDO:0014947, OMIM 617162.
Inborn genetic diseases. Identifiers: MedGen C0950123, MeSH D030342.

Allele frequency attached by ClinVar (database versions not stated): gnomAD exomes 0.00007 and 0.00003; ExAC 0.00002; TOPMed 0.00002; gnomAD 0.00003.
gnomAD v4.1: 107 of 1,613,896 alleles (0.0066%); highest among the groups gnomAD compares: Non-Finnish European, 0.0088%; no homozygotes.

Submissions (3):

Ambry Genetics
Classification: Uncertain significance for Inborn genetic diseases. Last evaluated: 2025-11-20. Review status: criteria provided, single submitter. Criteria: Ambry Variant Classification Scheme 2023. Collection method: clinical testing. Allele origin: germline.

Labcorp Genetics (formerly Invitae), Labcorp
Classification: Uncertain significance. Last evaluated: 2024-07-06. Review status: criteria provided, single submitter. Criteria: Invitae Variant Classification Sherloc (09022015). Collection method: clinical testing. Allele origin: germline.
Comment: This sequence change replaces aspartic acid, which is acidic and polar, with asparagine, which is neutral and polar, at codon 770 of the GRIN2D protein (p.Asp770Asn). The frequency data for this variant in the population databases is considered unreliable, as metrics indicate poor data quality at this position in the gnomAD database. This variant has not been reported in the literature in individuals affected with GRIN2D-related conditions. ClinVar contains an entry for this variant (Variation ID: 915391). Advanced modeling of protein sequence and biophysical properties (such as structural, functional, and spatial information, amino acid conservation, physicochemical variation, residue mobility, and thermodynamic stability) performed at Invitae indicates that this missense variant is expected to disrupt GRIN2D protein function with a positive predictive value of 95%. In summary, the available evidence is currently insufficient to determine the role of this variant in disease. Therefore, it has been classified as a Variant of Uncertain Significance.

Genomic Research Center, Shahid Beheshti University of Medical Sciences
Classification: Uncertain significance for Developmental and epileptic encephalopathy, 46. Last evaluated: 2020-05-03. Review status: criteria provided, single submitter. Criteria: ACMG Guidelines, 2015. Collection method: clinical testing. Allele origin: unknown. Affected: yes.

NM_000836.4(GRIN2D):c.2308G>A (p.Asp770Asn)

Gene: GRIN2D (glutamate ionotropic receptor NMDA type subunit 2D; plus strand). Cytogenetic location: 19q13.33.
Variant type: single nucleotide variant.
Coding change: c.2308G>A on transcript NM_000836.4 (MANE Select); coding-DNA position 2308, G replaced by A.
Protein change: p.Asp770Asn; replaces aspartic acid 770 with asparagine.
Molecular consequence: missense variant.
Genome position (GRCh38, 1-based): chr19:48,441,824, G>A. VCF-style: chr19-48441824-G-A. GRCh37 (hg19) VCF-style: chr19-48945081-G-A.
Other names: short protein forms D770N.
Identifiers: ClinVar variation 915391 (VCV000915391.12), dbSNP rs775962298, ClinGen allele CA9550712.